The following is an entry in ClinVar:

ClinVar aggregate classification (germline): Uncertain significance (1 of 4 stars; one submission).

gnomAD v4.1: 1 of 1,613,838 alleles (0.000062%); highest among the groups gnomAD compares: Non-Finnish European, 0.000085%; no homozygotes.

Submission:

Labcorp Genetics (formerly Invitae), Labcorp
Classification: Uncertain significance. Last evaluated: 2023-08-27. Review status: criteria provided, single submitter. Criteria: Invitae Variant Classification Sherloc (09022015). Collection method: clinical testing. Allele origin: germline.
Comment: This variant is not present in population databases (gnomAD no frequency). This variant has not been reported in the literature in individuals affected with AK7-related conditions. Algorithms developed to predict the effect of sequence changes on RNA splicing suggest that this variant is not likely to affect RNA splicing. In summary, the available evidence is currently insufficient to determine the role of this variant in disease. Therefore, it has been classified as a Variant of Uncertain Significance. This sequence change affects codon 166 of the AK7 mRNA. It is a 'silent' change, meaning that it does not change the encoded amino acid sequence of the AK7 protein. It affects a nucleotide within the consensus splice site.

NM_152327.5(AK7):c.498C>A (p.Pro166=)

Gene: AK7 (adenylate kinase 7; plus strand). Cytogenetic location: 14q32.2.
Variant type: single nucleotide variant.
Coding change: c.498C>A on transcript NM_152327.5 (MANE Select); coding-DNA position 498, C replaced by A.
Protein change: p.Pro166=; no amino-acid change (proline 166 retained).
Molecular consequence: synonymous variant.
Genome position (GRCh38, 1-based): chr14:96,408,941, C>A. VCF-style: chr14-96408941-C-A. GRCh37 (hg19) VCF-style: chr14-96875278-C-A.
Other names: c.498C>A, p.Pro166= (NM_001350888.2, NM_001350890.2, NM_001350891.2 and 1 more transcripts).
Identifiers: ClinVar variation 2967046 (VCV002967046.3), dbSNP rs1414409169, ClinGen allele CA487715452.